The following is an entry in ClinVar:

ClinVar aggregate classification (germline): Uncertain significance. Review status: criteria provided, multiple submitters, no conflicts (2 of 4 stars). 2 submissions from 2 submitters: Uncertain significance (2). Last evaluated 2025-06-16.

Conditions:
RP1L1-related disorder. Also called: RP1L1-related condition.
Inborn genetic diseases. Identifiers: MedGen C0950123, MeSH D030342.

gnomAD v4.1: 13 of 1,612,460 alleles (0.00081%); highest among the groups gnomAD compares: Middle Eastern, 0.016%; no homozygotes.

Submissions (2):

PreventionGenetics, part of Exact Sciences
Classification: Uncertain significance for RP1L1-related condition. Last evaluated: 2025-06-16. Review status: criteria provided, single submitter. Criteria: ACMG Guidelines, 2015. Collection method: clinical testing. Allele origin: germline.
Comment: The RP1L1 c.4643A>C variant is predicted to result in the amino acid substitution p.Gln1548Pro. To our knowledge, this variant has not been reported in the literature. This variant is reported in 0.0056% of alleles in individuals of East Asian descent in gnomAD. At this time, the clinical significance of this variant is uncertain due to the absence of conclusive functional and genetic evidence.

Ambry Genetics
Classification: Uncertain significance for Inborn genetic diseases. Last evaluated: 2024-08-28. Review status: criteria provided, single submitter. Criteria: Ambry Variant Classification Scheme 2023. Collection method: clinical testing. Allele origin: germline.

NM_178857.6(RP1L1):c.4643A>C (p.Gln1548Pro)

Gene: RP1L1 (RP1 like 1). Cytogenetic location: 8p23.1.
Variant type: single nucleotide variant.
Coding change: c.4643A>C on transcript NM_178857.6 (MANE Select); coding-DNA position 4643, A replaced by C.
Protein change: p.Gln1548Pro; replaces glutamine 1548 with proline.
Molecular consequence: missense variant.
Genome position (GRCh38, 1-based): chr8:10,609,455, T>G on the plus strand (A>C on the coding strand, the complement: RP1L1 is on the minus strand). VCF-style: chr8-10609455-T-G. GRCh37 (hg19) VCF-style: chr8-10466965-T-G.
Other names: short protein forms Q1548P.
Identifiers: ClinVar variation 3434907 (VCV003434907.2).
Genomic context (GRCh38, chr8:10,609,455, plus strand): 5'-AGGCGTTGGGCCACGTCCTGCTGCAGCTCGGCCGCCATCTGGTCCAGCAGATCATTGTCC[T>G]GCAGGCCCCAGCGTGCTCGGAGCTCAGCCACCGCACTGGCAAGGTGGGCCAGGAAGGCCT-3'
Protein context (NP_849188.4, residues 1538-1558): VAELRARWGL[Gln1548Pro]DNDLLDQMAA